The following is an entry in ClinVar:

NM_207122.2(EXT2):c.*10T>C

Gene: EXT2 (exostosin glycosyltransferase 2; plus strand). Cytogenetic location: 11p11.2.
Variant type: single nucleotide variant.
Coding change: c.*10T>C on transcript NM_207122.2 (MANE Select); 10 bases downstream of the stop codon, T replaced by C.
Molecular consequence: 3 prime UTR variant.
Genome position (GRCh38, 1-based): chr11:44,244,297, T>C. VCF-style: chr11-44244297-T-C. GRCh37 (hg19) VCF-style: chr11-44265847-T-C.
Other names: c.*10T>C (NM_000401.3, NM_001178083.3, NM_001389628.1 and 1 more transcripts).
Identifiers: ClinVar variation 3049491 (VCV003049491.3), dbSNP rs150146973, ClinGen allele CA5955465.

ClinVar aggregate classification (germline): Likely benign. Review status: criteria provided, single submitter (1 of 4 stars). 2 submissions from 2 submitters: Likely benign (1). 1 of the submissions does not count toward it. Last evaluated 2024-06-19.

Conditions:
EXT2-related disorder. Also called: EXT2-related condition.

Allele frequency attached by ClinVar (database versions not stated): gnomAD exomes 0.00002; ExAC 0.00010; ESP Exome Variant Server 0.00023; TOPMed 0.00023; gnomAD 0.00025; 1000 Genomes Project 30x 0.00031; 1000 Genomes Project 0.00040.
gnomAD v4.1: 84 of 1,613,782 alleles (0.0052%); highest among the groups gnomAD compares: African/African-American, 0.091%; no homozygotes.

Submissions (2):

Blueprint Genetics
Classification: Likely benign. Last evaluated: 2024-06-19. Review status: criteria provided, single submitter. Criteria: ACMG Guidelines, 2015. Collection method: clinical testing. Allele origin: germline.

PreventionGenetics, part of Exact Sciences
Classification: Likely benign for EXT2-related condition. Last evaluated: 2021-03-19. Review status: no assertion criteria provided. Collection method: clinical testing. Allele origin: germline. Not counted in ClinVar's aggregate classification.
Comment: This variant is classified as likely benign based on ACMG/AMP sequence variant interpretation guidelines (Richards et al. 2015 PMID: 25741868, with internal and published modifications).